The following is an entry in ClinVar:

NM_007254.4(PNKP):c.1260C>T (p.Ala420=)

Gene: PNKP (polynucleotide kinase 3'-phosphatase; minus strand). Cytogenetic location: 19q13.33.
Variant type: single nucleotide variant.
Coding change: c.1260C>T on transcript NM_007254.4 (MANE Select); coding-DNA position 1260, C replaced by T.
Protein change: p.Ala420=; no amino-acid change (alanine 420 retained).
Molecular consequence: synonymous variant.
Genome position (GRCh38, 1-based): chr19:49,861,810, G>A on the plus strand (C>T on the coding strand, the complement: PNKP is on the minus strand). VCF-style: chr19-49861810-G-A. GRCh37 (hg19) VCF-style: chr19-50365067-G-A.
Identifiers: ClinVar variation 3047683 (VCV003047683.2), dbSNP rs2514633813, ClinGen allele CA508296611.

ClinVar aggregate classification (germline): Likely benign (0 of 4 stars; one submission).

Conditions:
PNKP-related disorder. Also called: PNKP-related condition; PNKP-related disorders.

Allele frequency attached by ClinVar (database versions not stated): gnomAD exomes below 0.00001.

Submission:

PreventionGenetics, part of Exact Sciences
Classification: Likely benign for PNKP-related condition. Last evaluated: 2019-03-05. Review status: no assertion criteria provided. Collection method: clinical testing. Allele origin: germline.
Comment: This variant is classified as likely benign based on ACMG/AMP sequence variant interpretation guidelines (Richards et al. 2015 PMID: 25741868, with internal and published modifications).